The following is an entry in ClinVar:

ClinVar aggregate classification (germline): Likely benign. Review status: criteria provided, single submitter (1 of 4 stars). 2 submissions from 2 submitters: Likely benign (1). 1 of the submissions does not count toward it. Last evaluated 2024-03-20.

Conditions:
DNMBP-related disorder. Also called: DNMBP-related condition.

Allele frequency attached by ClinVar (database versions not stated): TOPMed 0.00003; gnomAD 0.00009; 1000 Genomes Project 0.00020; 1000 Genomes Project 30x 0.00031; ExAC 0.00110.
gnomAD v4.1: 156 of 1,461,334 alleles (0.011%); highest among the groups gnomAD compares: South Asian, 0.2%; 2 homozygotes.

Submissions (2):

Blueprint Genetics
Classification: Likely benign. Last evaluated: 2024-03-20. Review status: criteria provided, single submitter. Criteria: ACMG Guidelines, 2015. Collection method: clinical testing. Allele origin: germline.

PreventionGenetics, part of Exact Sciences
Classification: Likely benign for DNMBP-related condition. Last evaluated: 2019-06-21. Review status: no assertion criteria provided. Collection method: clinical testing. Allele origin: germline. Not counted in ClinVar's aggregate classification.
Comment: This variant is classified as likely benign based on ACMG/AMP sequence variant interpretation guidelines (Richards et al. 2015 PMID: 25741868, with internal and published modifications).

NM_015221.4(DNMBP):c.2261-4829A>G

Gene: DNMBP (dynamin binding protein; minus strand). Cytogenetic location: 10q24.2.
Variant type: single nucleotide variant.
Coding change: c.2261-4829A>G on transcript NM_015221.4 (MANE Select); 4829 bases into the intron before coding-DNA position 2261, A replaced by G.
Molecular consequence: intron variant.
Genome position (GRCh38, 1-based): chr10:99,913,975, T>C on the plus strand (A>G on the coding strand, the complement: DNMBP is on the minus strand). VCF-style: chr10-99913975-T-C. GRCh37 (hg19) VCF-style: chr10-101673732-T-C.
Other names: c.-25A>G (NM_001318327.2); c.1157-4829A>G (NM_001318326.2).
Identifiers: ClinVar variation 3043493 (VCV003043493.3), dbSNP rs529958536, ClinGen allele CA5644971.
Genomic context (GRCh38, chr10:99,913,975, plus strand): 5'-ACTTCCTTCTGTGCTGGCTCCCACACCCCAGGACCTACCTGCAGTGCCCAGAGCTGGCTG[T>C]GTGTGGAGGTGTGGGCCTGAGGGTAAGCAGGCGGGACAGAATCTTCCCAGAGCTCTGGAA-3'